The following is an entry in ClinVar:

NM_000217.3(KCNA1):c.1162G>T (p.Val388Leu)

Gene: KCNA1 (potassium voltage-gated channel subfamily A member 1; plus strand). Cytogenetic location: 12p13.32.
Variant type: single nucleotide variant.
Coding change: c.1162G>T on transcript NM_000217.3 (MANE Select); coding-DNA position 1162, G replaced by T.
Protein change: p.Val388Leu; replaces valine 388 with leucine.
Molecular consequence: missense variant.
Genome position (GRCh38, 1-based): chr12:4,912,540, G>T. VCF-style: chr12-4912540-G-T. GRCh37 (hg19) VCF-style: chr12-5021706-G-T.
Other names: short protein forms V388L.
Identifiers: ClinVar variation 4975913 (VCV004975913.1).

ClinVar aggregate classification (germline): Uncertain significance (1 of 4 stars; one submission).

Submission:

GeneDx
Classification: Uncertain significance. Last evaluated: 2026-01-30. Review status: criteria provided, single submitter. Criteria: GeneDx Variant Classification Process June 2021. Collection method: clinical testing. Allele origin: germline.
Comment: Not observed at significant frequency in large population cohorts (gnomAD); In silico analysis supports that this missense variant has a deleterious effect on protein structure/function; Has not been previously published as pathogenic or benign to our knowledge